The following is an entry in ClinVar:

NM_025099.6(CTC1):c.992C>G (p.Pro331Arg)

Gene: CTC1 (CST telomere replication complex component 1; minus strand). Cytogenetic location: 17p13.1.
Variant type: single nucleotide variant.
Coding change: c.992C>G on transcript NM_025099.6 (MANE Select); coding-DNA position 992, C replaced by G.
Protein change: p.Pro331Arg; replaces proline 331 with arginine.
Molecular consequence: missense variant. On other transcripts: non-coding transcript variant (1).
Genome position (GRCh38, 1-based): chr17:8,236,143, G>C on the plus strand (C>G on the coding strand, the complement: CTC1 is on the minus strand). VCF-style: chr17-8236143-G-C. GRCh37 (hg19) VCF-style: chr17-8139461-G-C.
Other names: c.992C>G (NM_025099.5); short protein forms P331R.
Identifiers: ClinVar variation 1015311 (VCV001015311.7), dbSNP rs765673141, ClinGen allele CA8372508.

ClinVar aggregate classification (germline): Uncertain significance. Review status: criteria provided, multiple submitters, no conflicts (2 of 4 stars). 2 submissions from 2 submitters: Uncertain significance (2). Last evaluated 2024-11-24.

Conditions:
Inborn genetic diseases. Identifiers: MedGen C0950123, MeSH D030342.
Dyskeratosis congenita. Identifiers: Orphanet 1775, MedGen C0265965, MONDO:0015780.

Allele frequency attached by ClinVar (database versions not stated): TOPMed below 0.00001; gnomAD 0.00001; ExAC 0.00002; gnomAD exomes 0.00002; 1000 Genomes Project 30x 0.00016.
gnomAD v4.1: 9 of 1,614,168 alleles (0.00056%); highest among the groups gnomAD compares: Admixed American, 0.01%; no homozygotes.

Submissions (2):

Ambry Genetics
Classification: Uncertain significance for Inborn genetic diseases. Last evaluated: 2024-11-24. Review status: criteria provided, single submitter. Criteria: Ambry Variant Classification Scheme 2023. Collection method: clinical testing. Allele origin: germline.

Labcorp Genetics (formerly Invitae), Labcorp
Classification: Uncertain significance for Dyskeratosis congenita. Last evaluated: 2024-06-30. Review status: criteria provided, single submitter. Criteria: Invitae Variant Classification Sherloc (09022015). Collection method: clinical testing. Allele origin: germline.
Comment: This sequence change replaces proline, which is neutral and non-polar, with arginine, which is basic and polar, at codon 331 of the CTC1 protein (p.Pro331Arg). This variant is present in population databases (rs765673141, gnomAD 0.009%). This variant has not been reported in the literature in individuals affected with CTC1-related conditions. ClinVar contains an entry for this variant (Variation ID: 1015311). An algorithm developed to predict the effect of missense changes on protein structure and function (PolyPhen-2) suggests that this variant is likely to be disruptive. In summary, the available evidence is currently insufficient to determine the role of this variant in disease. Therefore, it has been classified as a Variant of Uncertain Significance.